The following is an entry in ClinVar:

ClinVar aggregate classification (germline): Benign. Review status: criteria provided, multiple submitters, no conflicts (2 of 4 stars). 3 submissions from 3 submitters: Benign (3). Last evaluated 2024-12-09.

Allele frequency attached by ClinVar (database versions not stated): ESP Exome Variant Server 0.00587; TOPMed 0.00613; gnomAD 0.00616 and 0.00552; 1000 Genomes Project 30x 0.00656; ExAC 0.00244; 1000 Genomes Project 0.00579; gnomAD exomes 0.00054 and 0.00138.
gnomAD v4.1: 1,632 of 1,610,300 alleles (0.1%); highest among the groups gnomAD compares: African/African-American, 2%; 20 homozygotes.

Submissions (3):

Mayo Clinic Laboratories, Mayo Clinic
Classification: Benign. Last evaluated: 2024-12-09. Review status: criteria provided, single submitter. Criteria: ACMG Guidelines, 2015. Collection method: clinical testing. Allele origin: germline. Observed: 1 variant allele.
Comment: BA1, BP4_moderate

Labcorp Genetics (formerly Invitae), Labcorp
Classification: Benign. Last evaluated: 2019-12-31. Review status: criteria provided, single submitter. Criteria: Invitae Variant Classification Sherloc (09022015). Collection method: clinical testing. Allele origin: germline.

Breakthrough Genomics
Classification: Benign. Review status: criteria provided, single submitter. Criteria: ACMG Guidelines, 2015. Collection method: not provided. Allele origin: germline. Inheritance: Autosomal recessive inheritance. Affected: yes.

NM_018116.4(MSTO1):c.322C>T (p.Leu108Phe)

Gene: MSTO1 (misato mitochondrial distribution and morphology regulator 1; plus strand). Cytogenetic location: 1q22.
Variant type: single nucleotide variant.
Coding change: c.322C>T on transcript NM_018116.4 (MANE Select); coding-DNA position 322, C replaced by T.
Protein change: p.Leu108Phe; replaces leucine 108 with phenylalanine.
Molecular consequence: missense variant. On other transcripts: 5 prime UTR variant (13), non-coding transcript variant (5).
Genome position (GRCh38, 1-based): chr1:155,611,247, C>T. VCF-style: chr1-155611247-C-T. GRCh37 (hg19) VCF-style: chr1-155581038-C-T.
Other names: p.Leu108Phe; c.322C>T, p.Leu108Phe (NM_001256532.1, NM_001256533.1, NM_001350772.1 and 3 more transcripts); c.35C>T, p.Thr12Ile (NM_001350776.1); c.-235C>T (NM_001350777.1, NM_001350779.1); c.-299C>T (NM_001350778.1); c.-351C>T (NM_001350780.1, NM_001350781.1); c.-277C>T (NM_001350782.1, NM_001350783.1, NM_001350786.1 and 1 more transcripts); c.-284C>T (NM_001350784.1, NM_001350787.1); and 1 more; short protein forms L108F, T12I.
Identifiers: ClinVar variation 775607 (VCV000775607.6), dbSNP rs150529804, ClinGen allele CA1147854.